The following is an entry in ClinVar:

ClinVar aggregate classification (germline): Uncertain significance (1 of 4 stars; one submission).

gnomAD v4.1: 21 of 1,614,082 alleles (0.0013%); highest among the groups gnomAD compares: Non-Finnish European, 0.0013%; no homozygotes.

Submission:

Labcorp Genetics (formerly Invitae), Labcorp
Classification: Uncertain significance. Last evaluated: 2025-04-09. Review status: criteria provided, single submitter. Criteria: Invitae Variant Classification Sherloc (09022015). Collection method: clinical testing. Allele origin: germline.
Comment: This sequence change replaces threonine, which is neutral and polar, with asparagine, which is neutral and polar, at codon 569 of the AK7 protein (p.Thr569Asn). This variant is present in population databases (rs751357772, gnomAD 0.005%). This variant has not been reported in the literature in individuals affected with AK7-related conditions. ClinVar contains an entry for this variant (Variation ID: 3665037). Invitae Evidence Modeling of protein sequence and biophysical properties (such as structural, functional, and spatial information, amino acid conservation, physicochemical variation, residue mobility, and thermodynamic stability) indicates that this missense variant is not expected to disrupt AK7 protein function with a negative predictive value of 80%. In summary, the available evidence is currently insufficient to determine the role of this variant in disease. Therefore, it has been classified as a Variant of Uncertain Significance.

NM_152327.5(AK7):c.1706C>A (p.Thr569Asn)

Gene: AK7 (adenylate kinase 7; plus strand). Cytogenetic location: 14q32.2.
Variant type: single nucleotide variant.
Coding change: c.1706C>A on transcript NM_152327.5 (MANE Select); coding-DNA position 1706, C replaced by A.
Protein change: p.Thr569Asn; replaces threonine 569 with asparagine.
Molecular consequence: missense variant.
Genome position (GRCh38, 1-based): chr14:96,478,615, C>A. VCF-style: chr14-96478615-C-A. GRCh37 (hg19) VCF-style: chr14-96944952-C-A.
Other names: c.1637C>A, p.Thr546Asn (NM_001350888.2, NM_001350890.2); c.1628C>A, p.Thr543Asn (NM_001350891.2); c.1508C>A, p.Thr503Asn (NM_001350892.2); short protein forms T546N, T543N, T569N, T503N.
Identifiers: ClinVar variation 3665037 (VCV003665037.2).